The following is an entry in ClinVar:

NM_020320.5(RARS2):c.660A>C (p.Ala220=)

Gene: RARS2 (arginyl-tRNA synthetase 2, mitochondrial; minus strand). Cytogenetic location: 6q15.
Variant type: single nucleotide variant.
Coding change: c.660A>C on transcript NM_020320.5 (MANE Select); coding-DNA position 660, A replaced by C.
Protein change: p.Ala220=; no amino-acid change (alanine 220 retained).
Molecular consequence: synonymous variant. On other transcripts: non-coding transcript variant (23).
Genome position (GRCh38, 1-based): chr6:87,530,895, T>G on the plus strand (A>C on the coding strand, the complement: RARS2 is on the minus strand). VCF-style: chr6-87530895-T-G. GRCh37 (hg19) VCF-style: chr6-88240613-T-G.
Other names: c.135A>C, p.Ala45= (NM_001318785.2, NM_001350506.2, NM_001350507.2 and 4 more transcripts); c.660A>C, p.Ala220= (NM_001350505.2).
Identifiers: ClinVar variation 378470 (VCV000378470.28), dbSNP rs553502877, ClinGen allele CA3916554.

ClinVar aggregate classification (germline): Benign/Likely benign. Review status: criteria provided, multiple submitters, no conflicts (2 of 4 stars). 7 submissions from 7 submitters: Benign (2); Likely benign (4). 1 of the submissions does not count toward it. Last evaluated 2026-01-25.

Conditions:
Pontocerebellar hypoplasia type 6 (PCH6). Identifiers: Orphanet 166073, MedGen C1969084, MONDO:0012683, OMIM 611523.

Allele frequency attached by ClinVar (database versions not stated): gnomAD 0.00001 and 0.00021; TOPMed 0.00002; ExAC 0.00098; 1000 Genomes Project 30x 0.00141; 1000 Genomes Project 0.00160.
gnomAD v4.1: 588 of 1,614,232 alleles (0.036%); highest among the groups gnomAD compares: South Asian, 0.61%; 5 homozygotes.

Submissions (7):

Labcorp Genetics (formerly Invitae), Labcorp
Classification: Benign. Last evaluated: 2026-01-25. Review status: criteria provided, single submitter. Criteria: Invitae Variant Classification Sherloc (09022015). Collection method: clinical testing. Allele origin: germline.

Women's Health and Genetics/Laboratory Corporation of America, LabCorp
Classification: Likely benign. Last evaluated: 2025-11-11. Review status: criteria provided, single submitter. Criteria: LabCorp Variant Classification Summary - May 2015. Collection method: clinical testing. Allele origin: germline.

CeGaT Center for Human Genetics Tuebingen
Classification: Likely benign. Last evaluated: 2025-07-01. Review status: criteria provided, single submitter. Criteria: CeGaT Center For Human Genetics Tuebingen Variant Classification Criteria Version 2. Collection method: clinical testing. Allele origin: germline. Affected: yes. Observed: 1 variant allele.
Comment: RARS2: BP4, BP7

Blueprint Genetics
Classification: Likely benign. Last evaluated: 2024-09-27. Review status: criteria provided, single submitter. Criteria: ACMG Guidelines, 2015. Collection method: clinical testing. Allele origin: germline.

Illumina Laboratory Services, Illumina
Classification: Likely benign for Pontocerebellar hypoplasia type 6. Last evaluated: 2018-01-12. Review status: criteria provided, single submitter. Criteria: ICSL Variant Classification Criteria 13 December 2019. Collection method: clinical testing. Allele origin: germline.
Comment: This variant was observed in the ICSL laboratory as part of a predisposition screen in an ostensibly healthy population. It had not been previously curated by ICSL or reported in the Human Gene Mutation Database (HGMD: prior to June 1st, 2018), and was therefore a candidate for classification through an automated scoring system. Utilizing variant allele frequency, disease prevalence and penetrance estimates, and inheritance mode, an automated score was calculated to assess if this variant is too frequent to cause the disease. Based on the score and internal cut-off values, a variant classified as likely benign is not then subjected to further curation. The score for this variant resulted in a classification of likely benign for this disease.

GeneDx
Classification: Benign. Last evaluated: 2015-03-26. Review status: criteria provided, single submitter. Criteria: GeneDx Variant Classification (06012015). Collection method: clinical testing. Allele origin: germline. Affected: yes.
Comment: This variant is considered likely benign or benign based on one or more of the following criteria: it is a conservative change, it occurs at a poorly conserved position in the protein, it is predicted to be benign by multiple in silico algorithms, and/or has population frequency not consistent with disease.

Natera, Inc.
Classification: Likely benign for Pontocerebellar hypoplasia, type 6. Last evaluated: 2019-12-05. Review status: no assertion criteria provided. Collection method: clinical testing. Allele origin: germline. Not counted in ClinVar's aggregate classification.